The following is an entry in ClinVar:

NM_018367.7(ACER3):c.178G>C (p.Glu60Gln)

Gene: ACER3 (alkaline ceramidase 3; plus strand). Cytogenetic location: 11q13.5.
Variant type: single nucleotide variant.
Coding change: c.178G>C on transcript NM_018367.7 (MANE Select); coding-DNA position 178, G replaced by C.
Protein change: p.Glu60Gln; replaces glutamic acid 60 with glutamine.
Molecular consequence: missense variant. On other transcripts: 5 prime UTR variant (2), intron variant (1).
Genome position (GRCh38, 1-based): chr11:76,926,631, G>C. VCF-style: chr11-76926631-G-C. GRCh37 (hg19) VCF-style: chr11-76637675-G-C.
Other names: c.-179G>C (NM_001300954.2); c.-55G>C (NM_001300955.2); c.104-32348G>C (NM_001300953.2); short protein forms E60Q.
Identifiers: ClinVar variation 1975821 (VCV001975821.5), dbSNP rs781035647, ClinGen allele CA6195575.

ClinVar aggregate classification (germline): Uncertain significance (1 of 4 stars; one submission).

Allele frequency attached by ClinVar (database versions not stated): ExAC 0.00001; TOPMed 0.00002; gnomAD 0.00003; gnomAD exomes 0.00003.
gnomAD v4.1: 49 of 1,604,992 alleles (0.0031%); highest among the groups gnomAD compares: Non-Finnish European, 0.0042%; no homozygotes.

Submission:

Labcorp Genetics (formerly Invitae), Labcorp
Classification: Uncertain significance. Last evaluated: 2023-12-18. Review status: criteria provided, single submitter. Criteria: Invitae Variant Classification Sherloc (09022015). Collection method: clinical testing. Allele origin: germline.
Comment: This sequence change replaces glutamic acid, which is acidic and polar, with glutamine, which is neutral and polar, at codon 60 of the ACER3 protein (p.Glu60Gln). This variant is present in population databases (rs781035647, gnomAD 0.002%). This variant has not been reported in the literature in individuals affected with ACER3-related conditions. ClinVar contains an entry for this variant (Variation ID: 1975821). Advanced modeling of protein sequence and biophysical properties (such as structural, functional, and spatial information, amino acid conservation, physicochemical variation, residue mobility, and thermodynamic stability) has been performed at Invitae for this missense variant, however the output from this modeling did not meet the statistical confidence thresholds required to predict the impact of this variant on ACER3 protein function. In summary, the available evidence is currently insufficient to determine the role of this variant in disease. Therefore, it has been classified as a Variant of Uncertain Significance.